The following is an entry in ClinVar:

NM_000228.3(LAMB3):c.899G>A (p.Arg300Gln)

Gene: LAMB3 (laminin subunit beta 3; minus strand). Cytogenetic location: 1q32.2.
Variant type: single nucleotide variant.
Coding change: c.899G>A on transcript NM_000228.3 (MANE Select); coding-DNA position 899, G replaced by A.
Protein change: p.Arg300Gln; replaces arginine 300 with glutamine.
Molecular consequence: missense variant.
Genome position (GRCh38, 1-based): chr1:209,630,659, C>T on the plus strand (G>A on the coding strand, the complement: LAMB3 is on the minus strand). VCF-style: chr1-209630659-C-T. GRCh37 (hg19) VCF-style: chr1-209804004-C-T.
Other names: c.899G>A, p.Arg300Gln (NM_001017402.2, NM_001127641.1); short protein forms R300Q.
Identifiers: ClinVar variation 4803464 (VCV004803464.1).

ClinVar aggregate classification (germline): Uncertain significance (1 of 4 stars; one submission).

gnomAD v4.1: 37 of 1,613,954 alleles (0.0023%); highest among the groups gnomAD compares: South Asian, 0.0044%; no homozygotes.

Submission:

Labcorp Genetics (formerly Invitae), Labcorp
Classification: Uncertain significance. Last evaluated: 2025-10-28. Review status: criteria provided, single submitter. Criteria: Invitae Variant Classification Sherloc (09022015). Collection method: clinical testing. Allele origin: germline.
Comment: This sequence change replaces arginine, which is basic and polar, with glutamine, which is neutral and polar, at codon 300 of the LAMB3 protein (p.Arg300Gln). This variant is present in population databases (rs376688965, gnomAD 0.006%). This variant has not been reported in the literature in individuals affected with LAMB3-related conditions. Invitae Evidence Modeling of protein sequence and biophysical properties (such as structural, functional, and spatial information, amino acid conservation, physicochemical variation, residue mobility, and thermodynamic stability) indicates that this missense variant is not expected to disrupt LAMB3 protein function with a negative predictive value of 80%. In summary, the available evidence is currently insufficient to determine the role of this variant in disease. Therefore, it has been classified as a Variant of Uncertain Significance.